The following is an entry in ClinVar:

ClinVar aggregate classification (germline): Uncertain significance (1 of 4 stars; one submission).

Submission:

GeneDx
Classification: Uncertain significance. Last evaluated: 2022-10-05. Review status: criteria provided, single submitter. Criteria: GeneDx Variant Classification Process June 2021. Collection method: clinical testing. Allele origin: germline. Affected: yes.
Comment: Not observed at significant frequency in large population cohorts (gnomAD); In silico analysis supports that this missense variant has a deleterious effect on protein structure/function; Has not been previously published as pathogenic or benign to our knowledge

NM_005909.5(MAP1B):c.7190C>T (p.Pro2397Leu)

Gene: MAP1B (microtubule associated protein 1B; plus strand). Cytogenetic location: 5q13.2.
Variant type: single nucleotide variant.
Coding change: c.7190C>T on transcript NM_005909.5 (MANE Select); coding-DNA position 7190, C replaced by T.
Protein change: p.Pro2397Leu; replaces proline 2397 with leucine.
Molecular consequence: missense variant.
Genome position (GRCh38, 1-based): chr5:72,203,740, C>T. VCF-style: chr5-72203740-C-T. GRCh37 (hg19) VCF-style: chr5-71499567-C-T.
Other names: c.6812C>T, p.Pro2271Leu (NM_001324255.2); short protein forms P2271L, P2397L.
Identifiers: ClinVar variation 2497810 (VCV002497810.1), dbSNP rs2478597061, ClinGen allele CA359980305.